The following is an entry in ClinVar:

ClinVar aggregate classification (germline): Benign/Likely benign. Review status: criteria provided, multiple submitters, no conflicts (2 of 4 stars). 5 submissions from 5 submitters: Benign (1); Likely benign (3). 1 of the submissions does not count toward it. Last evaluated 2026-01-28.

Conditions:
Aicardi-Goutieres syndrome 5. Identifiers: Orphanet 51, MedGen C2749659, MONDO:0013059, OMIM 612952.
Aicardi Goutieres syndrome (AGS). Also called: Encephalopathy, familial infantile, with calcification of basal ganglia and chronic cerebrospinal fluid lymphocytosis. Identifiers: Orphanet 51, MedGen C0393591, MONDO:0018866.

Allele frequency attached by ClinVar (database versions not stated): gnomAD exomes 0.00006 and 0.00017; ExAC 0.00028; 1000 Genomes Project 30x 0.00047; 1000 Genomes Project 0.00060; gnomAD 0.00076 and 0.00086; TOPMed 0.00076; ESP Exome Variant Server 0.00077.
gnomAD v4.1: 211 of 1,605,924 alleles (0.013%); highest among the groups gnomAD compares: African/African-American, 0.26%; no homozygotes.

Submissions (5):

Labcorp Genetics (formerly Invitae), Labcorp
Classification: Benign for Aicardi-Goutieres syndrome 5. Last evaluated: 2026-01-28. Review status: criteria provided, single submitter. Criteria: Invitae Variant Classification Sherloc (09022015). Collection method: clinical testing. Allele origin: germline.

Mayo Clinic Laboratories, Mayo Clinic
Classification: Likely benign. Last evaluated: 2025-09-05. Review status: criteria provided, single submitter. Criteria: ACMG Guidelines, 2015. Collection method: clinical testing. Allele origin: germline. Observed: 1 variant allele.
Comment: BS1, BP4, BP7

Women's Health and Genetics/Laboratory Corporation of America, LabCorp
Classification: Likely benign. Last evaluated: 2025-04-16. Review status: criteria provided, single submitter. Criteria: LabCorp Variant Classification Summary - May 2015. Collection method: clinical testing. Allele origin: germline.

Blueprint Genetics
Classification: Likely benign. Last evaluated: 2024-10-23. Review status: criteria provided, single submitter. Criteria: ACMG Guidelines, 2015. Collection method: clinical testing. Allele origin: germline.

Natera, Inc.
Classification: Uncertain significance for Aicardi-Goutieres syndrome. Last evaluated: 2020-01-17. Review status: no assertion criteria provided. Collection method: clinical testing. Allele origin: germline. Not counted in ClinVar's aggregate classification.

NM_015474.4(SAMHD1):c.275+8T>A

Gene: SAMHD1 (SAM and HD domain containing deoxynucleoside triphosphate triphosphohydrolase 1; minus strand). Cytogenetic location: 20q11.23.
Variant type: single nucleotide variant.
Coding change: c.275+8T>A on transcript NM_015474.4 (MANE Select); 8 bases into the intron after coding-DNA position 275, T replaced by A.
Molecular consequence: intron variant.
Genome position (GRCh38, 1-based): chr20:36,946,730, A>T on the plus strand (T>A on the coding strand, the complement: SAMHD1 is on the minus strand). VCF-style: chr20-36946730-A-T. GRCh37 (hg19) VCF-style: chr20-35575133-A-T.
Other names: p.?; c.275+8T>A (NM_001363729.2, NM_001363733.2).
Identifiers: ClinVar variation 780605 (VCV000780605.16), dbSNP rs186225001, ClinGen allele CA9844784.
Genomic context (GRCh38, chr20:36,946,730, plus strand): 5'-GGGCTTTGTCCCTGAAAGATGGATAAAGTGTGTTTGGTTATAACGTGAATTTATTTCTTC[A>T]TTCTTACCTTACTCCAAGATTTTCAAAACGAGACTCATCAAGACAAGGCAGTAATGCGCC-3'